The following is an entry in ClinVar:

NM_003322.6(TULP1):c.1133G>A (p.Arg378His)

Gene: TULP1 (TUB like protein 1; minus strand). Cytogenetic location: 6p21.31.
Variant type: single nucleotide variant.
Coding change: c.1133G>A on transcript NM_003322.6 (MANE Select); coding-DNA position 1133, G replaced by A.
Protein change: p.Arg378His; replaces arginine 378 with histidine.
Molecular consequence: missense variant.
Genome position (GRCh38, 1-based): chr6:35,503,828, C>T on the plus strand (G>A on the coding strand, the complement: TULP1 is on the minus strand). VCF-style: chr6-35503828-C-T. GRCh37 (hg19) VCF-style: chr6-35471605-C-T.
Other names: c.974G>A, p.Arg325His (NM_001289395.2); c.1133G>A (NM_003322.5); short protein forms R325H, R378H.
Identifiers: ClinVar variation 941556 (VCV000941556.15), dbSNP rs148749577, ClinGen allele CA3772645.
Genomic context (GRCh38, chr6:35,503,828, plus strand): 5'-CTTGCCACATTAGTGCTGTACCCACGCTGTGGGTTCTGCCCGTTGTCAAAGACCGTGAAG[C>T]GGTTCCCCAGGAGGTTGGACCTGCAAGCAGGGTAGAGCTTGGGGTGGGGCTGAGGGGATC-3'
Protein context (NP_003313.3, residues 368-388): GKLRSNLLGN[Arg378His]FTVFDNGQNP

ClinVar aggregate classification (germline): Uncertain significance. Review status: criteria provided, multiple submitters, no conflicts (2 of 4 stars). 4 submissions from 4 submitters: Uncertain significance (4). Last evaluated 2026-03-01.

Conditions:
TULP1-related disorder. Also called: TULP1-related condition; TULP1-related disorders.

Allele frequency attached by ClinVar (database versions not stated): gnomAD exomes 0.00008; ExAC 0.00009; gnomAD 0.00010 and 0.00011; TOPMed 0.00012; ESP Exome Variant Server 0.00031.
gnomAD v4.1: 291 of 1,610,642 alleles (0.018%); highest among the groups gnomAD compares: Non-Finnish European, 0.023%; no homozygotes.

Submissions (4):

PreventionGenetics, part of Exact Sciences
Classification: Uncertain significance for TULP1-related condition. Last evaluated: 2026-03-01. Review status: criteria provided, single submitter. Criteria: ACMG Guidelines, 2015. Collection method: clinical testing. Allele origin: germline.
Comment: The TULP1 c.1133G>A variant is predicted to result in the amino acid substitution p.Arg378His. To our knowledge, this variant has not been reported in the literature. This variant is reported in 0.016% of alleles in individuals of European (Non-Finnish) descent in gnomAD. At this time, the clinical significance of this variant is uncertain due to the absence of conclusive functional and genetic evidence.

Blueprint Genetics
Classification: Uncertain significance. Last evaluated: 2024-02-19. Review status: criteria provided, single submitter. Criteria: ACMG Guidelines, 2015. Collection method: clinical testing. Allele origin: germline.

Labcorp Genetics (formerly Invitae), Labcorp
Classification: Uncertain significance. Last evaluated: 2022-11-01. Review status: criteria provided, single submitter. Criteria: Invitae Variant Classification Sherloc (09022015). Collection method: clinical testing. Allele origin: germline.
Comment: This sequence change replaces arginine, which is basic and polar, with histidine, which is basic and polar, at codon 378 of the TULP1 protein (p.Arg378His). This variant is present in population databases (rs148749577, gnomAD 0.01%). This variant has not been reported in the literature in individuals affected with TULP1-related conditions. ClinVar contains an entry for this variant (Variation ID: 941556). Advanced modeling of protein sequence and biophysical properties (such as structural, functional, and spatial information, amino acid conservation, physicochemical variation, residue mobility, and thermodynamic stability) performed at Invitae indicates that this missense variant is not expected to disrupt TULP1 protein function. In summary, the available evidence is currently insufficient to determine the role of this variant in disease. Therefore, it has been classified as a Variant of Uncertain Significance.

ARUP Laboratories, Molecular Genetics and Genomics, ARUP Laboratories
Classification: Uncertain significance. Last evaluated: 2020-01-10. Review status: criteria provided, single submitter. Criteria: ARUP Molecular Germline Variant Investigation Process. Collection method: clinical testing. Allele origin: germline.
Comment: The TULP1 c.1133G>A; The variant is reported in the general population with an overall allele frequency 0.008638% (24/277,838 alleles) in the Genome Aggregation Database. The arginine at codon 378 is weakly conserved, but computational analyses (SIFT: Damaging, PolyPhen-2: Benign) predict conflicting effects of this variant on protein structure/function. Due to limited information, the clinical significance of the p.Arg378His variant is uncertain at this time. References: Hagstrom SA et al. Recessive mutations in the gene encoding the tubby-like protein TULP1 in patients with retinitis pigmentosa. Nat Genet. 1998 Feb;18(2):174-6.